The following is an entry in ClinVar:

NM_000455.5(STK11):c.291-12T>A

Gene: STK11 (serine/threonine kinase 11; plus strand). Cytogenetic location: 19p13.3.
Variant type: single nucleotide variant.
Coding change: c.291-12T>A on transcript NM_000455.5 (MANE Select); 12 bases into the intron before coding-DNA position 291, T replaced by A.
Molecular consequence: intron variant.
Genome position (GRCh38, 1-based): chr19:1,218,405, T>A. VCF-style: chr19-1218405-T-A. GRCh37 (hg19) VCF-style: chr19-1218404-T-A.
Other names: c.291-12T>A (NM_001407255.1).
Identifiers: ClinVar variation 2774534 (VCV002774534.2), dbSNP rs2145420471, ClinGen allele CA2697555590.
Genomic context (GRCh38, chr19:1,218,405, plus strand): 5'-GCCGACTCCAGGGATCCAGGCCATCATCCTGACGTTGGGTCGGCTGATACACCCCTGTCC[T>A]CTCTGTCCCAGGGAAATTCAACTACTGAGGAGGTTACGGCACAAAAATGTCATCCAGCTG-3'

ClinVar aggregate classification (germline): Uncertain significance (1 of 4 stars; one submission).

Conditions:
Hereditary cancer-predisposing syndrome. Also called: Neoplastic Syndromes, Hereditary; Tumor predisposition; Hereditary Cancer Syndrome; Hereditary neoplastic syndrome. Identifiers: Orphanet 140162, MedGen C0027672, MeSH D009386, MONDO:0015356.

Submission:

Color Diagnostics, LLC DBA Color Health
Classification: Uncertain significance for Hereditary cancer-predisposing syndrome. Last evaluated: 2021-11-22. Review status: criteria provided, single submitter. Criteria: ACMG Guidelines, 2015. Collection method: clinical testing. Allele origin: germline.
Comment: This variant causes a T to A nucleotide substitution at the -12 position of intron 1 of the STK11 gene. To our knowledge, RNA studies have not been reported for this variant. This variant has not been reported in individuals affected with hereditary cancer in the literature. This variant has not been identified in the general population by the Genome Aggregation Database (gnomAD). The available evidence is insufficient to determine the role of this variant in disease conclusively. Therefore, this variant is classified as a Variant of Uncertain Significance.